The following is an entry in ClinVar:

NM_000548.5(TSC2):c.4009T>A (p.Ser1337Thr)

Gene: TSC2 (TSC complex subunit 2; plus strand). Cytogenetic location: 16p13.3.
Variant type: single nucleotide variant.
Coding change: c.4009T>A on transcript NM_000548.5 (MANE Select); coding-DNA position 4009, T replaced by A.
Protein change: p.Ser1337Thr; replaces serine 1337 with threonine.
Molecular consequence: missense variant. On other transcripts: non-coding transcript variant (5).
Genome position (GRCh38, 1-based): chr16:2,084,231, T>A. VCF-style: chr16-2084231-T-A. GRCh37 (hg19) VCF-style: chr16-2134232-T-A.
Other names: c.3808T>A, p.Ser1270Thr (NM_001077183.3); c.3940T>A, p.Ser1314Thr (NM_001114382.3); c.3700T>A, p.Ser1234Thr (NM_001318827.2); c.3664T>A, p.Ser1222Thr (NM_001318829.2); c.3277T>A, p.Ser1093Thr (NM_001318831.2); c.3841T>A, p.Ser1281Thr (NM_001318832.2); c.3811T>A, p.Ser1271Thr (NM_001363528.2); c.3877T>A, p.Ser1293Thr (NM_001370404.1); and 26 more; short protein forms S1071T, S1093T, S1222T, S1234T, S1267T, S1294T, S1301T, S1314T.
Identifiers: ClinVar variation 2626461 (VCV002626461.2), dbSNP rs2544253877, ClinGen allele CA394299133.

ClinVar aggregate classification (germline): Uncertain significance (1 of 4 stars; one submission).

Conditions:
Hereditary cancer-predisposing syndrome. Also called: Tumor predisposition; Hereditary Cancer Syndrome; Hereditary neoplastic syndrome; Neoplastic Syndromes, Hereditary. Identifiers: Orphanet 140162, MedGen C0027672, MeSH D009386, MONDO:0015356.

Submission:

Ambry Genetics
Classification: Uncertain significance for Hereditary cancer-predisposing syndrome. Last evaluated: 2023-09-12. Review status: criteria provided, single submitter. Criteria: Ambry Variant Classification Scheme 2023. Collection method: clinical testing. Allele origin: germline.
Comment: The p.S1337T variant (also known as c.4009T>A), located in coding exon 33 of the TSC2 gene, results from a T to A substitution at nucleotide position 4009. The serine at codon 1337 is replaced by threonine, an amino acid with similar properties. This amino acid position is conserved. In addition, the in silico prediction for this alteration is inconclusive. Since supporting evidence is limited at this time, the clinical significance of this alteration remains unclear.